The following is an entry in ClinVar:

NM_001101362.3(KBTBD13):c.171T>C (p.Gly57=)

Gene: KBTBD13 (kelch repeat and BTB domain containing 13; plus strand). Cytogenetic location: 15q22.31.
Variant type: single nucleotide variant.
Coding change: c.171T>C on transcript NM_001101362.3 (MANE Select); coding-DNA position 171, T replaced by C.
Protein change: p.Gly57=; no amino-acid change (glycine 57 retained).
Molecular consequence: synonymous variant.
Genome position (GRCh38, 1-based): chr15:65,076,986, T>C. VCF-style: chr15-65076986-T-C. GRCh37 (hg19) VCF-style: chr15-65369324-T-C.
Identifiers: ClinVar variation 514033 (VCV000514033.11), dbSNP rs369379657, ClinGen allele CA7613889.

ClinVar aggregate classification (germline): Benign/Likely benign. Review status: criteria provided, multiple submitters, no conflicts (2 of 4 stars). 2 submissions from 2 submitters: Benign (1); Likely benign (1). Last evaluated 2025-10-02.

Conditions:
Nemaline myopathy 6 (NEM6). Also called: Nemaline myopathy 6, autosomal dominant. Identifiers: Orphanet 171439, MedGen C1836472, MONDO:0012237, OMIM 609273.

Allele frequency attached by ClinVar (database versions not stated): gnomAD exomes 0.00006 and 0.00015; ExAC 0.00015; ESP Exome Variant Server 0.00018; 1000 Genomes Project 0.00020; gnomAD 0.00072 and 0.00078; TOPMed 0.00085.

Submissions (2):

Labcorp Genetics (formerly Invitae), Labcorp
Classification: Benign for Nemaline myopathy 6. Last evaluated: 2025-10-02. Review status: criteria provided, single submitter. Criteria: Invitae Variant Classification Sherloc (09022015). Collection method: clinical testing. Allele origin: germline.

GeneDx
Classification: Likely benign. Last evaluated: 2017-12-13. Review status: criteria provided, single submitter. Criteria: GeneDx Variant Classification (06012015). Collection method: clinical testing. Allele origin: germline. Affected: yes.
Comment: This variant is considered likely benign or benign based on one or more of the following criteria: it is a conservative change, it occurs at a poorly conserved position in the protein, it is predicted to be benign by multiple in silico algorithms, and/or has population frequency not consistent with disease.